The following is an entry in ClinVar:

NM_001165963.4(SCN1A):c.1729_1742del (p.Phe577fs)

Gene: SCN1A (sodium voltage-gated channel alpha subunit 1; minus strand). Cytogenetic location: 2q24.3.
Variant type: Deletion.
Coding change: c.1729_1742del on transcript NM_001165963.4 (MANE Select); coding-DNA positions 1729 to 1742, 14 bases deleted (TTTAGAGGGCGAGC).
Protein change: p.Phe577fs; shifts the reading frame from phenylalanine 577.
Molecular consequence: frameshift variant. On other transcripts: 5 prime UTR variant (1), non-coding transcript variant (1).
Genome position (GRCh38, 1-based): chr2:166,043,970-166,043,983, GCTCGCCCTCTAAA deleted on the plus strand (TTTAGAGGGCGAGC on the coding strand, the reverse complement: SCN1A is on the minus strand); deleting any 14 consecutive bases within chr2:166,043,970-166,043,986 gives the same sequence; the c. name uses the placement nearest the transcript's 3' end. VCF-style (leftmost placement, unchanged base first): chr2-166043969-TGCTCGCCCTCTAAA-T. GRCh37 (hg19) VCF-style: chr2-166900479-TGCTCGCCCTCTAAA-T.
Other names: c.1729_1742del, p.Phe577fs (NM_001165964.3, NM_001202435.3, NM_001353948.2 and 7 more transcripts); c.1726_1739del, p.Phe576fs (NM_001353954.2, NM_001353955.2, NM_001353960.2); c.-697_-684del (NM_001353961.2); short protein forms F576fs, F577fs.
Identifiers: ClinVar variation 4727151 (VCV004727151.1).

ClinVar aggregate classification (germline): Pathogenic (1 of 4 stars; one submission).

Conditions:
Early-infantile DEE. Also called: Early infantile epileptic encephalopathy with suppression bursts; Ohtahara syndrome; Early infantile epileptic encephalopathy. Identifiers: Orphanet 1934, MedGen C0393706, MONDO:0800491.

Submission:

Labcorp Genetics (formerly Invitae), Labcorp
Classification: Pathogenic for Early-infantile DEE. Last evaluated: 2025-09-16. Review status: criteria provided, single submitter. Criteria: Invitae Variant Classification Sherloc (09022015). Collection method: clinical testing. Allele origin: germline.
Comment: This sequence change creates a premature translational stop signal (p.Phe577Lysfs*6) in the SCN1A gene. It is expected to result in an absent or disrupted protein product. Loss-of-function variants in SCN1A are known to be pathogenic (PMID: 17347258, 18930999). This variant is not present in population databases (gnomAD no frequency). This variant has not been reported in the literature in individuals affected with SCN1A-related conditions. For these reasons, this variant has been classified as Pathogenic.

Literature cited by the submitters: PubMed 17347258; PubMed 18930999.